The following is an entry in ClinVar:

NM_001136472.2(LITAF):c.220+310A>G

Gene: LITAF (lipopolysaccharide induced TNF factor; minus strand). Cytogenetic location: 16p13.13.
Variant type: single nucleotide variant.
Coding change: c.220+310A>G on transcript NM_001136472.2 (MANE Select); 310 bases into the intron after coding-DNA position 220, A replaced by G.
Molecular consequence: intron variant.
Genome position (GRCh38, 1-based): chr16:11,556,201, T>C on the plus strand (A>G on the coding strand, the complement: LITAF is on the minus strand). VCF-style: chr16-11556201-T-C. GRCh37 (hg19) VCF-style: chr16-11650057-T-C.
Other names: c.220+310A>G (NM_001136473.1, NM_004862.4).
Identifiers: ClinVar variation 684091 (VCV000684091.2), dbSNP rs7403964, ClinGen allele CA14294624.

ClinVar aggregate classification (germline): Benign. Review status: criteria provided, multiple submitters, no conflicts (2 of 4 stars). 2 submissions from 2 submitters: Benign (2). Last evaluated 2018-06-19.

Allele frequency attached by ClinVar (database versions not stated): gnomAD exomes 0.77387; gnomAD 0.77488 and 0.77784; TOPMed 0.77888; 1000 Genomes Project 0.74062; 1000 Genomes Project 30x 0.74172.
gnomAD v4.1: 369,618 of 477,146 alleles (77%); highest among the groups gnomAD compares: Admixed American, 85%; 144,640 homozygotes.

Submissions (2):

GeneDx
Classification: Benign. Last evaluated: 2018-06-19. Review status: criteria provided, single submitter. Criteria: GeneDx Variant Classification (06012015). Collection method: clinical testing. Allele origin: germline. Affected: yes.
Comment: This variant is considered likely benign or benign based on one or more of the following criteria: it is a conservative change, it occurs at a poorly conserved position in the protein, it is predicted to be benign by multiple in silico algorithms, and/or has population frequency not consistent with disease.

Breakthrough Genomics
Classification: Benign. Review status: criteria provided, single submitter. Criteria: ACMG Guidelines, 2015. Collection method: not provided. Allele origin: germline. Inheritance: Autosomal dominant inheritance. Affected: yes.